The following is an entry in ClinVar:

ClinVar aggregate classification (germline): Likely benign (1 of 4 stars; one submission).

Allele frequency attached by ClinVar (database versions not stated): TOPMed 0.00052; gnomAD 0.00065 and 0.00068; gnomAD exomes 0.00067; ExAC 0.00079; ESP Exome Variant Server 0.00100.
gnomAD v4.1: 956 of 1,613,780 alleles (0.059%); highest among the groups gnomAD compares: Non-Finnish European, 0.068%; no homozygotes.

Submission:

CeGaT Center for Human Genetics Tuebingen
Classification: Likely benign. Last evaluated: 2022-04-01. Review status: criteria provided, single submitter. Criteria: CeGaT Center For Human Genetics Tuebingen Variant Classification Criteria Version 2. Collection method: clinical testing. Allele origin: germline. Affected: yes. Observed: 1 variant allele.
Comment: KRTAP10-5: BP4, BP7

NM_198694.3(KRTAP10-5):c.267C>T (p.Cys89=)

Genes: KRTAP10-5 (keratin associated protein 10-5; minus strand), TSPEAR (thrombospondin type laminin G domain and EAR repeats; minus strand). Cytogenetic location: 21q22.3.
Variant type: single nucleotide variant.
Coding change: c.267C>T on transcript NM_198694.3 (MANE Select); coding-DNA position 267, C replaced by T.
Protein change: p.Cys89=; no amino-acid change (cysteine 89 retained).
Molecular consequence: synonymous variant. On other transcripts: intron variant (2).
Genome position (GRCh38, 1-based): chr21:44,580,312, G>A on the plus strand (C>T on the coding strand, the complement: KRTAP10-5 is on the minus strand). VCF-style: chr21-44580312-G-A. GRCh37 (hg19) VCF-style: chr21-46000189-G-A.
Other names: c.83-12307C>T (NM_144991.3); c.-122-12307C>T (NM_001272037.2).
Identifiers: ClinVar variation 1695032 (VCV001695032.31), dbSNP rs370111876, ClinGen allele CA10058725.